The following is an entry in ClinVar:

ClinVar aggregate classification (germline): Conflicting classifications of pathogenicity. Review status: criteria provided, conflicting classifications (1 of 4 stars). 5 submissions from 5 submitters: Uncertain significance (1); Likely benign (4). Last evaluated 2026-01-20.

Conditions:
Joubert syndrome 8 (JBTS8). Identifiers: Orphanet 475, MedGen C2676771, MONDO:0012855, OMIM 612291.

Allele frequency attached by ClinVar (database versions not stated): gnomAD 0.00046 and 0.00047; 1000 Genomes Project 30x 0.00078; gnomAD exomes 0.00004 and 0.00013; ExAC 0.00016; ESP Exome Variant Server 0.00038; 1000 Genomes Project 0.00040; TOPMed 0.00041.
gnomAD v4.1: 137 of 1,613,288 alleles (0.0085%); highest among the groups gnomAD compares: African/African-American, 0.16%; no homozygotes.

Submissions (5):

Labcorp Genetics (formerly Invitae), Labcorp
Classification: Likely benign for Joubert syndrome 8. Last evaluated: 2026-01-20. Review status: criteria provided, single submitter. Criteria: Invitae Variant Classification Sherloc (09022015). Collection method: clinical testing. Allele origin: germline.

Blueprint Genetics
Classification: Likely benign. Last evaluated: 2023-10-30. Review status: criteria provided, single submitter. Criteria: ACMG Guidelines, 2015. Collection method: clinical testing. Allele origin: germline.

CeGaT Center for Human Genetics Tuebingen
Classification: Likely benign. Last evaluated: 2023-05-01. Review status: criteria provided, single submitter. Criteria: CeGaT Center For Human Genetics Tuebingen Variant Classification Criteria Version 2. Collection method: clinical testing. Allele origin: germline. Affected: yes. Observed: 1 variant allele.
Comment: ARL13B: BP4

Genetic Services Laboratory, University of Chicago
Classification: Uncertain significance. Last evaluated: 2018-03-19. Review status: criteria provided, single submitter. Criteria: ACMG Guidelines, 2015. Collection method: clinical testing. Allele origin: germline. Affected: no.

GeneDx
Classification: Likely benign. Last evaluated: 2016-03-22. Review status: criteria provided, single submitter. Criteria: GeneDx Variant Classification (06012015). Collection method: clinical testing. Allele origin: germline. Affected: yes.
Comment: This variant is considered likely benign or benign based on one or more of the following criteria: it is a conservative change, it occurs at a poorly conserved position in the protein, it is predicted to be benign by multiple in silico algorithms, and/or has population frequency not consistent with disease.

NM_001174150.2(ARL13B):c.690-5G>A

Gene: ARL13B (ARF like GTPase 13B; plus strand). Cytogenetic location: 3q11.2.
Variant type: single nucleotide variant.
Coding change: c.690-5G>A on transcript NM_001174150.2 (MANE Select); 5 bases into the intron before coding-DNA position 690, G replaced by A.
Molecular consequence: intron variant.
Genome position (GRCh38, 1-based): chr3:94,039,875, G>A. VCF-style: chr3-94039875-G-A. GRCh37 (hg19) VCF-style: chr3-93758719-G-A.
Other names: c.645-5G>A (NM_001321328.2); c.690-5G>A (NM_182896.3); c.381-5G>A (NM_001174151.2); c.369-5G>A (NM_144996.4).
Identifiers: ClinVar variation 379741 (VCV000379741.40), dbSNP rs373173586, ClinGen allele CA2504137.
Genomic context (GRCh38, chr3:94,039,875, plus strand): 5'-GTTTTCTTTAACATGGTTCAGCACTTTCTCAAAGGAAATTTCAATTATTTTTCCTCAAAC[G>A]ATAGAAAACAAAATGAACAGGAGCAGGCTGAACTCGATGGAACCAGTGGTCTGGCTGAGT-3'